The following is an entry in ClinVar:

ClinVar aggregate classification (germline): Likely benign. Review status: criteria provided, multiple submitters, no conflicts (2 of 4 stars). 7 submissions from 7 submitters: Likely benign (4). 3 of the submissions do not count toward it. Last evaluated 2025-06-11.

Conditions:
CACNA1A-related disorder. Also called: CACNA1A-related condition.
Episodic ataxia type 2 (EA2). Also called: ACETAZOLAMIDE-RESPONSIVE HEREDITARY PAROXYSMAL CEREBELLAR ATAXIA; ATAXIA, EPISODIC, WITH NYSTAGMUS; ATAXIA, FAMILIAL PAROXYSMAL; CEREBELLAR ATAXIA, PAROXYSMAL, ACETAZOLAMIDE-RESPONSIVE; CEREBELLOPATHY, HEREDITARY PAROXYSMAL; EPISODIC ATAXIA, NYSTAGMUS-ASSOCIATED. Identifiers: Orphanet 97, MedGen C1720416, MONDO:0007163, OMIM 108500.
Developmental and epileptic encephalopathy, 42 (DEE42A). Also called: Epileptic encephalopathy, early infantile, 42; DEVELOPMENTAL AND EPILEPTIC ENCEPHALOPATHY 42A; EPILEPTIC ENCEPHALOPATHY, EARLY INFANTILE, 42A. Identifiers: MedGen C4310716, MONDO:0014917, OMIM 617106.

Allele frequency attached by ClinVar (database versions not stated): ExAC 0.00001; gnomAD exomes 0.00001 and 0.00004; TOPMed 0.00001; gnomAD 0.00002 and 0.00003; 1000 Genomes Project 30x 0.00016; 1000 Genomes Project 0.00020.
gnomAD v4.1: 57 of 1,600,770 alleles (0.0036%); highest among the groups gnomAD compares: Non-Finnish European, 0.0044%; no homozygotes.

Submissions (7):

Athena Diagnostics
Classification: Likely benign. Last evaluated: 2025-06-11. Review status: criteria provided, single submitter. Criteria: Athena Diagnostics Criteria. Collection method: clinical testing. Allele origin: unknown.
Comment: Computational tools yielded predictions that this variant is unlikely to have an effect on normal RNA splicing. This nucleotide position exhibits low evolutionary conservation.

Labcorp Genetics (formerly Invitae), Labcorp
Classification: Likely benign for Developmental and epileptic encephalopathy, 42; Episodic ataxia type 2. Last evaluated: 2024-11-14. Review status: criteria provided, single submitter. Criteria: Invitae Variant Classification Sherloc (09022015). Collection method: clinical testing. Allele origin: germline.

Blueprint Genetics
Classification: Likely benign. Last evaluated: 2023-03-08. Review status: criteria provided, single submitter. Criteria: ACMG Guidelines, 2015. Collection method: clinical testing. Allele origin: germline.

GeneDx
Classification: Likely benign. Last evaluated: 2020-03-11. Review status: criteria provided, single submitter. Criteria: GeneDx Variant Classification Process June 2021. Collection method: clinical testing. Allele origin: germline. Affected: yes.

PreventionGenetics, part of Exact Sciences
Classification: Likely benign for CACNA1A-related condition. Last evaluated: 2019-08-08. Review status: no assertion criteria provided. Collection method: clinical testing. Allele origin: germline. Not counted in ClinVar's aggregate classification.
Comment: This variant is classified as likely benign based on ACMG/AMP sequence variant interpretation guidelines (Richards et al. 2015 PMID: 25741868, with internal and published modifications).

Clinical Genetics DNA and cytogenetics Diagnostics Lab, Erasmus MC, Erasmus Medical Center
Classification: Likely benign. Review status: no assertion criteria provided. Collection method: clinical testing. Allele origin: germline. Affected: yes. Study: VKGL Data-share Consensus. Not counted in ClinVar's aggregate classification.

Laboratory of Diagnostic Genome Analysis, Leiden University Medical Center (LUMC)
Classification: Likely benign. Review status: no assertion criteria provided. Collection method: clinical testing. Allele origin: germline. Affected: yes. Study: VKGL Data-share Consensus. Not counted in ClinVar's aggregate classification.

NM_001127222.2(CACNA1A):c.1356C>T (p.Phe452=)

Gene: CACNA1A (calcium voltage-gated channel subunit alpha1 A; minus strand). Cytogenetic location: 19p13.13.
Variant type: single nucleotide variant.
Coding change: c.1356C>T on transcript NM_001127222.2 (MANE Select); coding-DNA position 1356, C replaced by T.
Protein change: p.Phe452=; no amino-acid change (phenylalanine 452 retained).
Molecular consequence: synonymous variant.
Genome position (GRCh38, 1-based): chr19:13,317,311, G>A on the plus strand (C>T on the coding strand, the complement: CACNA1A is on the minus strand). VCF-style: chr19-13317311-G-A. GRCh37 (hg19) VCF-style: chr19-13428125-G-A.
Other names: c.1356C>T (NM_001127222.1); c.1359C>T, p.Phe453= (NM_000068.4, NM_001127221.2, NM_001174080.2 and 1 more transcripts).
Identifiers: ClinVar variation 392593 (VCV000392593.21), dbSNP rs41276888, ClinGen allele CA9240831.